The following is an entry in ClinVar:

ClinVar aggregate classification (germline): Benign. Review status: criteria provided, multiple submitters, no conflicts (2 of 4 stars). 3 submissions from 3 submitters: Benign (2). 1 of the submissions does not count toward it. Last evaluated 2026-02-04.

Conditions:
PLXNA1-related disorder. Also called: PLXNA1-related condition.

Allele frequency attached by ClinVar (database versions not stated): 1000 Genomes Project 30x 0.98891; ExAC 0.99726; TOPMed 0.98976; gnomAD exomes 0.99766 and 0.99908; ESP Exome Variant Server 0.98993; gnomAD 0.99022 and 0.99076; 1000 Genomes Project 0.98942.
gnomAD v4.1: 1,609,319 of 1,612,142 alleles (100%); highest among the groups gnomAD compares: East Asian, 100%; 803,293 homozygotes.

Submissions (3):

Labcorp Genetics (formerly Invitae), Labcorp
Classification: Benign. Last evaluated: 2026-02-04. Review status: criteria provided, single submitter. Criteria: Invitae Variant Classification Sherloc (09022015). Collection method: clinical testing. Allele origin: germline.

Breakthrough Genomics
Classification: Benign. Review status: criteria provided, single submitter. Criteria: ACMG Guidelines, 2015. Collection method: not provided. Allele origin: germline. Inheritance: Autosomal recessive inheritance. Affected: yes.

PreventionGenetics, part of Exact Sciences
Classification: Benign for PLXNA1-related condition. Last evaluated: 2019-11-26. Review status: no assertion criteria provided. Collection method: clinical testing. Allele origin: germline. Not counted in ClinVar's aggregate classification.
Comment: This variant is classified as benign based on ACMG/AMP sequence variant interpretation guidelines (Richards et al. 2015 PMID: 25741868, with internal and published modifications).

NM_032242.4(PLXNA1):c.5595+10G>A

Gene: PLXNA1 (plexin A1; plus strand). Cytogenetic location: 3q21.3.
Variant type: single nucleotide variant.
Coding change: c.5595+10G>A on transcript NM_032242.4 (MANE Select); 10 bases into the intron after coding-DNA position 5595, G replaced by A.
Molecular consequence: intron variant.
Genome position (GRCh38, 1-based): chr3:127,032,846, G>A. VCF-style: chr3-127032846-G-A. GRCh37 (hg19) VCF-style: chr3-126751689-G-A.
Other names: c.5595+10G>A (NM_032242.3).
Identifiers: ClinVar variation 1600155 (VCV001600155.11), dbSNP rs6439031, ClinGen allele CA2594720.